The following is an entry in ClinVar:

NM_006421.5(ARFGEF1):c.3508G>T (p.Val1170Leu)

Gene: ARFGEF1 (ARF guanine nucleotide exchange factor 1; minus strand). Cytogenetic location: 8q13.2.
Variant type: single nucleotide variant.
Coding change: c.3508G>T on transcript NM_006421.5 (MANE Select); coding-DNA position 3508, G replaced by T.
Protein change: p.Val1170Leu; replaces valine 1170 with leucine.
Molecular consequence: missense variant. On other transcripts: non-coding transcript variant (1).
Genome position (GRCh38, 1-based): chr8:67,228,046, C>A on the plus strand (G>T on the coding strand, the complement: ARFGEF1 is on the minus strand). VCF-style: chr8-67228046-C-A. GRCh37 (hg19) VCF-style: chr8-68140281-C-A.
Other names: c.3508G>T, p.Val1170Leu (NM_001413184.1, NM_001413185.1, NM_001413186.1 and 6 more transcripts); c.2908G>T, p.Val970Leu (NM_001413188.1, NM_001413193.1, NM_001413197.1); c.3502G>T, p.Val1168Leu (NM_001413190.1); c.2083G>T, p.Val695Leu (NM_001413196.1); short protein forms V1168L, V1170L, V695L, V970L.
Identifiers: ClinVar variation 3899603 (VCV003899603.1).
Genomic context (GRCh38, chr8:67,228,046, plus strand): 5'-CTTCCCAAATTCGAGACCACTGTAATCTTATTCTTCCCATGTTGTAATATGATATTTCTA[C>A]TATTTTTTGTAGACTAAACATTCTTGGGTGTGTCGTGGAAAGTAATTCATCCATAGACAC-3'
Protein context (NP_006412.2, residues 1160-1180): HPRMFSLQKI[Val1170Leu]EISYYNMGRI

ClinVar aggregate classification (germline): Uncertain significance (1 of 4 stars; one submission).

Submission:

GeneDx
Classification: Uncertain significance. Last evaluated: 2024-11-16. Review status: criteria provided, single submitter. Criteria: GeneDx Variant Classification Process June 2021. Collection method: clinical testing. Allele origin: germline. Affected: yes.
Comment: Not observed at significant frequency in large population cohorts (gnomAD); In silico analysis supports that this missense variant has a deleterious effect on protein structure/function; Has not been previously published as pathogenic or benign to our knowledge